The following is an entry in ClinVar:

NM_001044.5(SLC6A3):c.518C>T (p.Thr173Met)

Gene: SLC6A3 (solute carrier family 6 member 3). Cytogenetic location: 5p15.33.
Variant type: single nucleotide variant.
Coding change: c.518C>T on transcript NM_001044.5 (MANE Select); coding-DNA position 518, C replaced by T.
Protein change: p.Thr173Met; replaces threonine 173 with methionine.
Molecular consequence: missense variant.
Genome position (GRCh38, 1-based): chr5:1,432,599, G>A on the plus strand (C>T on the coding strand, the complement: SLC6A3 is on the minus strand). VCF-style: chr5-1432599-G-A. GRCh37 (hg19) VCF-style: chr5-1432714-G-A.
Other names: short protein forms T173M.
Identifiers: ClinVar variation 4082572 (VCV004082572.1).

ClinVar aggregate classification (germline): Uncertain significance (1 of 4 stars; one submission).

gnomAD v4.1: 22 of 1,614,036 alleles (0.0014%); highest among the groups gnomAD compares: Admixed American, 0.015%; no homozygotes.

Submission:

GeneDx
Classification: Uncertain significance. Last evaluated: 2025-03-14. Review status: criteria provided, single submitter. Criteria: GeneDx Variant Classification Process June 2021. Collection method: clinical testing. Allele origin: germline. Affected: yes.
Comment: Reported previously as a de novo variant in a patient with a developmental disorder; however, no further clinical information was provided (PMID: 33057194); In silico analysis indicates that this missense variant does not alter protein structure/function; Not observed at significant frequency in large population cohorts (gnomAD); This variant is associated with the following publications: (PMID: 35982159, 33057194)